The following is an entry in ClinVar:

ClinVar aggregate classification (germline): Uncertain significance (1 of 4 stars; one submission).

gnomAD v4.1: 5 of 1,614,174 alleles (0.00031%); highest among the groups gnomAD compares: African/African-American, 0.004%; no homozygotes.

Submission:

Genetic Services Laboratory, University of Chicago
Classification: Uncertain significance. Last evaluated: 2023-08-22. Review status: criteria provided, single submitter. Criteria: ACMG Guidelines, 2015. Collection method: clinical testing. Allele origin: germline. Affected: no.
Comment: DNA sequence analysis of the ZMPSTE24 gene demonstrated a sequence change, c.805T>G, in exon 7 that results in an amino acid change, p.Tyr269Asp. This sequence change does not appear to have been previously described in individuals with ZMPSTE24-related disorders. This sequence change has been described in the gnomAD database in 2 individuals of African/African-American descent which corresponds to a subpopulation frequency of 0.008% (dbSNP rs567519682). The p.Tyr269Asp change affects a highly conserved amino acid residue located in a domain of the ZMPSTE24 protein that is known to be functional. The p.Tyr269Asp substitution appears to be deleterious/possibly damaging using several in-silico pathogenicity prediction tools (SIFT, PolyPhen2, Align GVGD, REVEL). Due to insufficient evidences and the lack of functional studies, the clinical significance of the p.Tyr269Asp change remains unknown at this time.

NM_005857.5(ZMPSTE24):c.805T>G (p.Tyr269Asp)

Gene: ZMPSTE24 (zinc metallopeptidase STE24; plus strand). Cytogenetic location: 1p34.2.
Variant type: single nucleotide variant.
Coding change: c.805T>G on transcript NM_005857.5 (MANE Select); coding-DNA position 805, T replaced by G.
Protein change: p.Tyr269Asp; replaces tyrosine 269 with aspartic acid.
Molecular consequence: missense variant.
Genome position (GRCh38, 1-based): chr1:40,281,378, T>G. VCF-style: chr1-40281378-T-G. GRCh37 (hg19) VCF-style: chr1-40747050-T-G.
Other names: short protein forms Y269D.
Identifiers: ClinVar variation 4082542 (VCV004082542.2).